The following is an entry in ClinVar:

NM_000038.6(APC):c.4413A>G (p.Ala1471=)

Gene: APC (APC regulator of Wnt signaling pathway; plus strand). Cytogenetic location: 5q22.2.
Variant type: single nucleotide variant.
Coding change: c.4413A>G on transcript NM_000038.6 (MANE Select); coding-DNA position 4413, A replaced by G.
Protein change: p.Ala1471=; no amino-acid change (alanine 1471 retained).
Molecular consequence: synonymous variant.
Genome position (GRCh38, 1-based): chr5:112,840,007, A>G. VCF-style: chr5-112840007-A-G. GRCh37 (hg19) VCF-style: chr5-112175704-A-G.
Other names: c.4413A>G, p.Ala1471= (NM_001127510.3, NM_001354895.2); c.4359A>G, p.Ala1453= (NM_001127511.3); c.4467A>G, p.Ala1489= (NM_001354896.2); c.4443A>G, p.Ala1481= (NM_001354897.2); c.4338A>G, p.Ala1446= (NM_001354898.2); c.4329A>G, p.Ala1443= (NM_001354899.2); c.4290A>G, p.Ala1430= (NM_001354900.2); c.4236A>G, p.Ala1412= (NM_001354901.2); and 5 more.
Identifiers: ClinVar variation 377493 (VCV000377493.22), dbSNP rs964029262, ClinGen allele CA16604666.
Genomic context (GRCh38, chr5:112,840,007, plus strand): 5'-AGTACCTAAAAATAAAGCACCTACTGCTGAAAAGAGAGAGAGTGGACCTAAGCAAGCTGC[A>G]GTAAATGCTGCAGTTCAGAGGGTCCAGGTTCTTCCAGATGCTGATACTTTATTACATTTT-3'
Protein context (NP_000029.2, residues 1461-1481): EKRESGPKQA[Ala1471=]VNAAVQRVQV

ClinVar aggregate classification (germline): Conflicting classifications of pathogenicity. Review status: criteria provided, conflicting classifications (1 of 4 stars). 7 submissions from 7 submitters: Uncertain significance (1); Benign (1); Likely benign (5). Last evaluated 2025-12-01.

Conditions:
Classic or attenuated familial adenomatous polyposis. Identifiers: MedGen CN372698, MONDO:0021057.
Hereditary cancer-predisposing syndrome. Also called: Hereditary neoplastic syndrome; Hereditary Cancer Syndrome; Neoplastic Syndromes, Hereditary; Tumor predisposition. Identifiers: Orphanet 140162, MedGen C0027672, MeSH D009386, MONDO:0015356.
Familial adenomatous polyposis 1 (FAP1). Also called: FAMILIAL ADENOMATOUS POLYPOSIS 1, ATTENUATED; POLYPOSIS, ADENOMATOUS INTESTINAL. Identifiers: MedGen C2713442, MONDO:0021056, OMIM 175100. Disease mechanism: loss of function.

Allele frequency attached by ClinVar (database versions not stated): TOPMed below 0.00001; gnomAD exomes 0.00001.
gnomAD v4.1: 20 of 1,614,184 alleles (0.0012%); highest among the groups gnomAD compares: African/African-American, 0.0013%; no homozygotes.

Submissions (7):

Labcorp Genetics (formerly Invitae), Labcorp
Classification: Likely benign for Familial adenomatous polyposis 1. Last evaluated: 2025-12-01. Review status: criteria provided, single submitter. Criteria: Invitae Variant Classification Sherloc (09022015). Collection method: clinical testing. Allele origin: germline.

All of Us Research Program, National Institutes of Health
Classification: Likely benign for Classic or attenuated familial adenomatous polyposis. Last evaluated: 2024-07-20. Review status: criteria provided, single submitter. Criteria: ACMG Guidelines, 2015. Collection method: clinical testing. Allele origin: germline. Inheritance: Autosomal dominant inheritance. Observed: 1 variant allele, 1 heterozygote.
Comment: This study involves interpretation of variants in research participants for the purpose of population health screening. Participant phenotype was not available at the time of variant classification. Additional details can be found in publication PMID: 35346344, PMCID: PMC8962531

Myriad Genetics, Inc.
Classification: Benign for Familial adenomatous polyposis 1. Last evaluated: 2024-03-26. Review status: criteria provided, single submitter. Criteria: Myriad Autosomal Dominant, Autosomal Recessive and X-Linked Classification Criteria (2023). Collection method: clinical testing. Allele origin: unknown.
Comment: This variant is considered benign. This variant is a silent/synonymous amino acid change and it is not expected to impact splicing.

Ambry Genetics
Classification: Likely benign for Hereditary cancer-predisposing syndrome. Last evaluated: 2018-10-29. Review status: criteria provided, single submitter. Criteria: Ambry Variant Classification Scheme 2023. Collection method: clinical testing. Allele origin: germline.

Color Diagnostics, LLC DBA Color Health
Classification: Likely benign for Hereditary cancer-predisposing syndrome. Last evaluated: 2017-09-05. Review status: criteria provided, single submitter. Criteria: ACMG Guidelines, 2015. Collection method: clinical testing. Allele origin: germline.

Quest Diagnostics Nichols Institute San Juan Capistrano
Classification: Uncertain significance. Last evaluated: 2017-06-14. Review status: criteria provided, single submitter. Criteria: Quest Diagnostics criteria. Collection method: clinical testing. Allele origin: germline.

GeneDx
Classification: Likely benign. Last evaluated: 2016-04-06. Review status: criteria provided, single submitter. Criteria: GeneDx Variant Classification (06012015). Collection method: clinical testing. Allele origin: germline. Affected: yes.
Comment: This variant is considered likely benign or benign based on one or more of the following criteria: it is a conservative change, it occurs at a poorly conserved position in the protein, it is predicted to be benign by multiple in silico algorithms, and/or has population frequency not consistent with disease.